The following is an entry in ClinVar:

ClinVar aggregate classification (germline): Uncertain significance. Review status: criteria provided, multiple submitters, no conflicts (2 of 4 stars). 4 submissions from 3 submitters: Uncertain significance (4). Last evaluated 2023-11-04.

Conditions:
Retinitis pigmentosa 39 (RP39). Identifiers: Orphanet 791, MedGen C3151138, MONDO:0013436, OMIM 613809.
Usher syndrome type 2A. Also called: RETINAL DISEASE IN USHER SYNDROME TYPE IIA, MODIFIER OF; USHER SYNDROME, TYPE IIA. Identifiers: Orphanet 231178, Orphanet 886, MedGen C1848634, MONDO:0010169, OMIM 276901.

Allele frequency attached by ClinVar (database versions not stated): gnomAD 0.00001.
gnomAD v4.1: 5 of 1,613,914 alleles (0.00031%); highest among the groups gnomAD compares: Middle Eastern, 0.016%; no homozygotes.

Submissions (4):

Genome-Nilou Lab
Classification: Uncertain significance for Retinitis pigmentosa 39. Last evaluated: 2023-11-04. Review status: criteria provided, single submitter. Criteria: ACMG Guidelines, 2015. Collection method: clinical testing. Allele origin: germline. Affected: no.

Genome-Nilou Lab
Classification: Uncertain significance for Usher syndrome type 2A. Last evaluated: 2023-11-04. Review status: criteria provided, single submitter. Criteria: ACMG Guidelines, 2015. Collection method: clinical testing. Allele origin: germline. Affected: no.

Labcorp Genetics (formerly Invitae), Labcorp
Classification: Uncertain significance. Last evaluated: 2022-07-06. Review status: criteria provided, single submitter. Criteria: Invitae Variant Classification Sherloc (09022015). Collection method: clinical testing. Allele origin: germline.
Comment: This sequence change replaces serine, which is neutral and polar, with asparagine, which is neutral and polar, at codon 1300 of the USH2A protein (p.Ser1300Asn). This variant is present in population databases (rs772408328, gnomAD 0.002%). This variant has not been reported in the literature in individuals affected with USH2A-related conditions. ClinVar contains an entry for this variant (Variation ID: 623721). Algorithms developed to predict the effect of missense changes on protein structure and function (SIFT, PolyPhen-2, Align-GVGD) all suggest that this variant is likely to be tolerated. In summary, the available evidence is currently insufficient to determine the role of this variant in disease. Therefore, it has been classified as a Variant of Uncertain Significance.

CeGaT Center for Human Genetics Tuebingen
Classification: Uncertain significance. Last evaluated: 2018-08-01. Review status: criteria provided, single submitter. Criteria: CeGaT Center For Human Genetics Tuebingen Variant Classification Criteria Version 2. Collection method: clinical testing. Allele origin: germline. Affected: yes. Observed: 1 variant allele.

NM_206933.4(USH2A):c.3899G>A (p.Ser1300Asn)

Genes: USH2A-AS1 (USH2A antisense RNA 1; plus strand), USH2A (usherin; minus strand). Cytogenetic location: 1q41.
Variant type: single nucleotide variant.
Coding change: c.3899G>A on transcript NM_206933.4 (MANE Select); coding-DNA position 3899, G replaced by A.
Protein change: p.Ser1300Asn; replaces serine 1300 with asparagine.
Molecular consequence: missense variant.
Genome position (GRCh38, 1-based): chr1:216,198,497, C>T on the plus strand (G>A on the coding strand, the complement: USH2A is on the minus strand). VCF-style: chr1-216198497-C-T. GRCh37 (hg19) VCF-style: chr1-216371839-C-T.
Other names: c.3899G>A, p.Ser1300Asn (NM_007123.6); short protein forms S1300N.
Identifiers: ClinVar variation 623721 (VCV000623721.44), dbSNP rs772408328, ClinGen allele CA1395877.